The following is an entry in ClinVar:

ClinVar aggregate classification (germline): Conflicting classifications of pathogenicity. Review status: criteria provided, conflicting classifications (1 of 4 stars). 2 submissions from 2 submitters: Pathogenic (1); Uncertain significance (1). Last evaluated 2026-01-27.

Conditions:
Joubert syndrome 17 (JBTS17). Identifiers: Orphanet 475, MedGen C3553264, MONDO:0013824, OMIM 614615.
Immunodeficiency, common variable, 7. Identifiers: Orphanet 1572, Orphanet 696894, MedGen C3542922, MONDO:0013862, OMIM 614699.

Allele frequency attached by ClinVar (database versions not stated): gnomAD 0.00002; TOPMed 0.00002.
gnomAD v4.1: 19 of 1,613,762 alleles (0.0012%); highest among the groups gnomAD compares: Admixed American, 0.023%; no homozygotes.

Submissions (2):

Labcorp Genetics (formerly Invitae), Labcorp
Classification: Pathogenic for Immunodeficiency, common variable, 7. Last evaluated: 2026-01-27. Review status: criteria provided, single submitter. Criteria: Invitae Variant Classification Sherloc (09022015). Collection method: clinical testing. Allele origin: germline.
Comment: This sequence change creates a premature translational stop signal (p.Arg360*) in the CR2 gene. It is expected to result in an absent or disrupted protein product. Loss-of-function variants in CR2 are known to be pathogenic (PMID: 26325596, 28499783). This variant is present in population databases (rs772481080, gnomAD 0.006%). This variant has not been reported in the literature in individuals affected with CR2-related conditions. ClinVar contains an entry for this variant (Variation ID: 650445). For these reasons, this variant has been classified as Pathogenic.

Johns Hopkins Genomics, Johns Hopkins University
Classification: Uncertain significance for Joubert syndrome 17. Last evaluated: 2025-02-03. Review status: criteria provided, single submitter. Criteria: ACMG Guidelines, 2015. Collection method: clinical testing. Allele origin: germline.
Comment: This CR2 nonsense variant (rs772481080) is rare (<0.1%) in a large population dataset (gnomAD: 19/1613762 total alleles; 0.0012%; no homozygotes) and has been reported in ClinVar (Variation ID: 650445). It has not been reported in the literature in individuals with complement-mediated renal disease, to our knowledge. This nonsense variant results in a premature stop codon in exon 6 of 20 likely leading to nonsense-mediated decay and lack of protein production. Due to the lack of evidence that loss of function variants in CR2 are associated with complement-mediated renal disease, we consider the clinical significance of CR2 c.1078C>T to be uncertain at this time.

Literature cited by the submitters: PubMed 26325596 (cited by Labcorp Genetics (formerly Invitae), Labcorp); PubMed 28499783 (cited by Labcorp Genetics (formerly Invitae), Labcorp).

NM_001006658.3(CR2):c.1078C>T (p.Arg360Ter)

Genes: CR2 (complement C3d receptor 2; plus strand), LOC126805994 (BRD4-independent group 4 enhancer GRCh37_chr1:207642622-207643821; plus strand). Cytogenetic location: 1q32.2.
Variant type: single nucleotide variant.
Coding change: c.1078C>T on transcript NM_001006658.3 (MANE Select); coding-DNA position 1078, C replaced by T.
Protein change: p.Arg360Ter; replaces arginine 360 with a stop codon.
Molecular consequence: nonsense.
Genome position (GRCh38, 1-based): chr1:207,469,955, C>T. VCF-style: chr1-207469955-C-T. GRCh37 (hg19) VCF-style: chr1-207643300-C-T.
Other names: c.1078C>T, p.Arg360Ter (NM_001877.5); short protein forms R360*.
Identifiers: ClinVar variation 650445 (VCV000650445.12), dbSNP rs772481080, ClinGen allele CA36648297.